The following is an entry in ClinVar:

NM_024537.4(CARS2):c.647G>A (p.Gly216Glu)

Gene: CARS2 (cysteinyl-tRNA synthetase 2, mitochondrial; minus strand). Cytogenetic location: 13q34.
Variant type: single nucleotide variant.
Coding change: c.647G>A on transcript NM_024537.4 (MANE Select); coding-DNA position 647, G replaced by A.
Protein change: p.Gly216Glu; replaces glycine 216 with glutamic acid.
Molecular consequence: missense variant. On other transcripts: 5 prime UTR variant (1), non-coding transcript variant (2).
Genome position (GRCh38, 1-based): chr13:110,683,059, C>T on the plus strand (G>A on the coding strand, the complement: CARS2 is on the minus strand). VCF-style: chr13-110683059-C-T. GRCh37 (hg19) VCF-style: chr13-111335406-C-T.
Other names: p.Gly216Glu; c.-140G>A (NM_001352252.2); c.647G>A, p.Gly216Glu (NM_001352253.3); short protein forms G216E.
Identifiers: ClinVar variation 380445 (VCV000380445.13), dbSNP rs146773721, ClinGen allele CA7052142.

ClinVar aggregate classification (germline): Benign. Review status: criteria provided, multiple submitters, no conflicts (2 of 4 stars). 4 submissions from 4 submitters: Benign (4). Last evaluated 2026-02-03.

Conditions:
Combined oxidative phosphorylation defect type 27. Also called: Combined oxidative phosphorylation deficiency 27. Identifiers: Orphanet 477774, MedGen C5567608, MONDO:0014728, OMIM 616672.

Allele frequency attached by ClinVar (database versions not stated): 1000 Genomes Project 0.01238; 1000 Genomes Project 30x 0.01265; ESP Exome Variant Server 0.01369; TOPMed 0.01537; gnomAD 0.01588 and 0.01595; gnomAD exomes 0.01857 and 0.01962; ExAC 0.01860.
gnomAD v4.1: 29,186 of 1,600,186 alleles (1.8%); highest among the groups gnomAD compares: Admixed American, 3.5%; 373 homozygotes.

Submissions (4):

Labcorp Genetics (formerly Invitae), Labcorp
Classification: Benign for Combined oxidative phosphorylation defect type 27. Last evaluated: 2026-02-03. Review status: criteria provided, single submitter. Criteria: Invitae Variant Classification Sherloc (09022015). Collection method: clinical testing. Allele origin: germline.

Mayo Clinic Laboratories, Mayo Clinic
Classification: Benign. Last evaluated: 2023-04-28. Review status: criteria provided, single submitter. Criteria: ACMG Guidelines, 2015. Collection method: clinical testing. Allele origin: germline. Observed: 20 variant alleles.
Comment: BA1, BP4

GeneDx
Classification: Benign. Last evaluated: 2016-03-14. Review status: criteria provided, single submitter. Criteria: GeneDx Variant Classification (06012015). Collection method: clinical testing. Allele origin: germline. Affected: yes.
Comment: This variant is considered likely benign or benign based on one or more of the following criteria: it is a conservative change, it occurs at a poorly conserved position in the protein, it is predicted to be benign by multiple in silico algorithms, and/or has population frequency not consistent with disease.

Breakthrough Genomics
Classification: Benign. Review status: criteria provided, single submitter. Criteria: ACMG Guidelines, 2015. Collection method: not provided. Allele origin: germline. Inheritance: Autosomal recessive inheritance. Affected: yes.